The following is an entry in ClinVar:

ClinVar aggregate classification (germline): Uncertain significance. Review status: criteria provided, multiple submitters, no conflicts (2 of 4 stars). 2 submissions from 2 submitters: Uncertain significance (2). Last evaluated 2025-10-13.

Conditions:
Hereditary cancer-predisposing syndrome. Also called: Hereditary Cancer Syndrome; Hereditary neoplastic syndrome; Neoplastic Syndromes, Hereditary; Tumor predisposition. Identifiers: Orphanet 140162, MedGen C0027672, MeSH D009386, MONDO:0015356.
Neuroblastoma, susceptibility to, 3. Also called: ALK-Related Neuroblastic Tumor Susceptibility. Identifiers: Orphanet 635, MedGen C2751681, MONDO:0013083, OMIM 613014.

gnomAD v4.1: 5 of 1,608,184 alleles (0.00031%); highest among the groups gnomAD compares: Non-Finnish European, 0.00042%; no homozygotes.

Submissions (2):

Labcorp Genetics (formerly Invitae), Labcorp
Classification: Uncertain significance for Neuroblastoma, susceptibility to, 3. Last evaluated: 2025-10-13. Review status: criteria provided, single submitter. Criteria: Invitae Variant Classification Sherloc (09022015). Collection method: clinical testing. Allele origin: germline.
Comment: This sequence change replaces alanine, which is neutral and non-polar, with glycine, which is neutral and non-polar, at codon 138 of the ALK protein (p.Ala138Gly). This variant is not present in population databases (gnomAD no frequency). This variant has not been reported in the literature in individuals affected with ALK-related conditions. ClinVar contains an entry for this variant (Variation ID: 2881604). An algorithm developed to predict the effect of missense changes on protein structure and function (PolyPhen-2) suggests that this variant is likely to be disruptive. In summary, the available evidence is currently insufficient to determine the role of this variant in disease. Therefore, it has been classified as a Variant of Uncertain Significance.

Ambry Genetics
Classification: Uncertain significance for Hereditary cancer-predisposing syndrome. Last evaluated: 2025-08-02. Review status: criteria provided, single submitter. Criteria: Ambry Variant Classification Scheme 2023. Collection method: clinical testing. Allele origin: germline.
Comment: The p.A138G variant (also known as c.413C>G), located in coding exon 1 of the ALK gene, results from a C to G substitution at nucleotide position 413. The alanine at codon 138 is replaced by glycine, an amino acid with similar properties. This amino acid position is conserved. In addition, the in silico prediction for this alteration is inconclusive. Based on the available evidence, the clinical significance of this variant remains unclear.

NM_004304.5(ALK):c.413C>G (p.Ala138Gly)

Gene: ALK (ALK receptor tyrosine kinase; minus strand). Cytogenetic location: 2p23.1.
Variant type: single nucleotide variant.
Coding change: c.413C>G on transcript NM_004304.5 (MANE Select); coding-DNA position 413, C replaced by G.
Protein change: p.Ala138Gly; replaces alanine 138 with glycine.
Molecular consequence: missense variant.
Genome position (GRCh38, 1-based): chr2:29,920,247, G>C on the plus strand (C>G on the coding strand, the complement: ALK is on the minus strand). VCF-style: chr2-29920247-G-C. GRCh37 (hg19) VCF-style: chr2-30143113-G-C.
Other names: c.413C>G (NM_004304.4); short protein forms A138G.
Identifiers: ClinVar variation 2881604 (VCV002881604.5), dbSNP rs2148443325, ClinGen allele CA346590098.